The following is an entry in ClinVar:

NM_001323289.2(CDKL5):c.574G>A (p.Val192Met)

Gene: CDKL5 (cyclin dependent kinase like 5; plus strand). Cytogenetic location: Xp22.13.
Variant type: single nucleotide variant.
Coding change: c.574G>A on transcript NM_001323289.2 (MANE Select); coding-DNA position 574, G replaced by A.
Protein change: p.Val192Met; replaces valine 192 with methionine.
Molecular consequence: missense variant.
Genome position (GRCh38, 1-based): chrX:18,587,973, G>A. VCF-style: chrX-18587973-G-A. GRCh37 (hg19) VCF-style: chrX-18606093-G-A.
Other names: c.574G>A, p.Val192Met (NM_001037343.2, NM_003159.3); short protein forms V192M.
Identifiers: ClinVar variation 1465114 (VCV001465114.8), dbSNP rs998686458, ClinGen allele CA326985315.
Genomic context (GRCh38, chrX:18,587,973, plus strand): 5'-TTTTTTCAGTTGCCAAAATAATCTCTTCCTTTATTTTTCAGCGCTCCCTATGGAAAGTCC[G>A]TGGACATGTGGTCGGTGGGCTGTATTCTTGGGGAGCTTAGCGATGGACAGCCTTTATTTC-3'
Protein context (NP_001310218.1, residues 182-202): LLLGAPYGKS[Val192Met]DMWSVGCILG

ClinVar aggregate classification (germline): Uncertain significance (1 of 4 stars; one submission).

Conditions:
Angelman syndrome-like. Identifiers: MedGen CN128785.
Developmental and epileptic encephalopathy, 2 (DEE2). Also called: INFANTILE SPASM SYNDROME, X-LINKED 2; CDKL5 deficiency disorder. Identifiers: Orphanet 1934, Orphanet 3451, Orphanet 505652, MedGen C4750718, MONDO:0010396, OMIM 300672.

Allele frequency attached by ClinVar (database versions not stated): gnomAD exomes below 0.00001.
gnomAD v4.1: 2 of 1,210,385 alleles (0.00017%); highest among the groups gnomAD compares: Non-Finnish European, 0.00011%; no homozygotes.

Submission:

Labcorp Genetics (formerly Invitae), Labcorp
Classification: Uncertain significance for Developmental and epileptic encephalopathy, 2; Angelman syndrome-like. Last evaluated: 2021-08-02. Review status: criteria provided, single submitter. Criteria: Invitae Variant Classification Sherloc (09022015). Collection method: clinical testing. Allele origin: germline.
Comment: In summary, the available evidence is currently insufficient to determine the role of this variant in disease. Therefore, it has been classified as a Variant of Uncertain Significance. Advanced modeling of protein sequence and biophysical properties (such as structural, functional, and spatial information, amino acid conservation, physicochemical variation, residue mobility, and thermodynamic stability) performed at Invitae indicates that this missense variant is expected to disrupt CDKL5 protein function. This variant has not been reported in the literature in individuals with CDKL5-related conditions. This variant is not present in population databases (ExAC no frequency). This sequence change replaces valine with methionine at codon 192 of the CDKL5 protein (p.Val192Met). The valine residue is highly conserved and there is a small physicochemical difference between valine and methionine.